The following is an entry in ClinVar:

ClinVar aggregate classification (germline): Benign/Likely benign. Review status: criteria provided, multiple submitters, no conflicts (2 of 4 stars). 5 submissions from 5 submitters: Benign (4); Likely benign (1). Last evaluated 2026-02-04.

Allele frequency attached by ClinVar (database versions not stated): 1000 Genomes Project 0.00759; 1000 Genomes Project 30x 0.00828; TOPMed 0.01230; gnomAD 0.01235 and 0.01244; gnomAD exomes 0.01284 and 0.01809; ESP Exome Variant Server 0.01322; ExAC 0.01401.
gnomAD v4.1: 28,382 of 1,613,766 alleles (1.8%); highest among the groups gnomAD compares: Non-Finnish European, 2.1%; 295 homozygotes.

Submissions (5):

Labcorp Genetics (formerly Invitae), Labcorp
Classification: Benign. Last evaluated: 2026-02-04. Review status: criteria provided, single submitter. Criteria: Invitae Variant Classification Sherloc (09022015). Collection method: clinical testing. Allele origin: germline.

Women's Health and Genetics/Laboratory Corporation of America, LabCorp
Classification: Benign. Last evaluated: 2026-01-22. Review status: criteria provided, single submitter. Criteria: LabCorp Variant Classification Summary - May 2015. Collection method: clinical testing. Allele origin: germline.

Mayo Clinic Laboratories, Mayo Clinic
Classification: Benign. Last evaluated: 2025-01-21. Review status: criteria provided, single submitter. Criteria: ACMG Guidelines, 2015. Collection method: clinical testing. Allele origin: germline. Observed: 1 variant allele.
Comment: BS1, BS2, BP4, BP7

Blueprint Genetics
Classification: Likely benign. Last evaluated: 2024-11-26. Review status: criteria provided, single submitter. Criteria: ACMG Guidelines, 2015. Collection method: clinical testing. Allele origin: germline.

Breakthrough Genomics
Classification: Benign. Review status: criteria provided, single submitter. Criteria: ACMG Guidelines, 2015. Collection method: not provided. Allele origin: germline. Inheritance: Autosomal recessive inheritance. Affected: yes.

NM_000562.3(C8A):c.108A>G (p.Ala36=)

Gene: C8A (complement C8 alpha chain; plus strand). Cytogenetic location: 1p32.2.
Variant type: single nucleotide variant.
Coding change: c.108A>G on transcript NM_000562.3 (MANE Select); coding-DNA position 108, A replaced by G.
Protein change: p.Ala36=; no amino-acid change (alanine 36 retained).
Molecular consequence: synonymous variant.
Genome position (GRCh38, 1-based): chr1:56,867,639, A>G. VCF-style: chr1-56867639-A-G. GRCh37 (hg19) VCF-style: chr1-57333312-A-G.
Other names: p.Ala36=.
Identifiers: ClinVar variation 1168914 (VCV001168914.13), dbSNP rs34047108, ClinGen allele CA874922.